The following is an entry in ClinVar:

NM_000069.3(CACNA1S):c.1395C>T (p.Asp465=)

Gene: CACNA1S (calcium voltage-gated channel subunit alpha1 S; minus strand). Cytogenetic location: 1q32.1.
Variant type: single nucleotide variant.
Coding change: c.1395C>T on transcript NM_000069.3 (MANE Select); coding-DNA position 1395, C replaced by T.
Protein change: p.Asp465=; no amino-acid change (aspartic acid 465 retained).
Molecular consequence: synonymous variant.
Genome position (GRCh38, 1-based): chr1:201,078,103, G>A on the plus strand (C>T on the coding strand, the complement: CACNA1S is on the minus strand). VCF-style: chr1-201078103-G-A. GRCh37 (hg19) VCF-style: chr1-201047231-G-A.
Identifiers: ClinVar variation 294765 (VCV000294765.19), dbSNP rs189129662, ClinGen allele CA078213.
Genomic context (GRCh38, chr1:201,078,103, plus strand): 5'-CCCGTACATCTTCATCAGCATCTCAGTGGTGAAGAGGGACAGCAGCACCCGGTTGGCAAT[G>A]TCTGTAGGGTTGGTGGCACAGCCCCGGCATCACTCTCCTTCCCTTCTCCTGACTCCCAGC-3'
Protein context (NP_000060.2, residues 455-475): NQPLWLTRLQ[Asp465=]IANRVLLSLF

ClinVar aggregate classification (germline): Benign/Likely benign. Review status: criteria provided, multiple submitters, no conflicts (2 of 4 stars). 10 submissions from 7 submitters: Benign (7); Likely benign (3). Last evaluated 2026-06-01.

Conditions:
Malignant hyperthermia, susceptibility to, 5 (MHS5). Also called: CACNA1S-Related Malignant Hyperthermia Susceptibility. Identifiers: Orphanet 423, MedGen C1866077, MONDO:0011163, OMIM 601887.
Hypokalemic periodic paralysis, type 1. Also called: HypoPP; Hypokalemic Periodic Paralysis Type 1 (AD). Identifiers: Orphanet 681, MedGen C3714580, MONDO:0042979, OMIM 170400.
Thyrotoxic periodic paralysis, susceptibility to, 1 (TTPP1). Identifiers: Orphanet 79102, MedGen C2749982, MONDO:0008570, OMIM 188580.
Congenital myopathy 18. Also called: DIHYDROPYRIDINE RECEPTOR CONGENITAL MYOPATHY; DHPR CONGENITAL MYOPATHY; Myopathy, congenital, due to dihydropyridine receptor defect. Identifiers: MedGen C5830283, MONDO:0859514, OMIM 620246.

Allele frequency attached by ClinVar (database versions not stated): gnomAD 0.00010 and 0.00027; gnomAD exomes 0.00010 and 0.00047; TOPMed 0.00014; ExAC 0.00051; 1000 Genomes Project 0.00280; 1000 Genomes Project 30x 0.00281.
gnomAD v4.1: 230 of 1,612,428 alleles (0.014%); highest among the groups gnomAD compares: East Asian, 0.26%; 1 homozygote.

Submissions (10):

CeGaT Center for Human Genetics Tuebingen
Classification: Likely benign. Last evaluated: 2026-06-01. Review status: criteria provided, single submitter. Criteria: CeGaT Center For Human Genetics Tuebingen Variant Classification Criteria Version 2. Collection method: clinical testing. Allele origin: germline. Affected: yes. Observed: 1 variant allele.
Comment: CACNA1S: BP4, BP7

Labcorp Genetics (formerly Invitae), Labcorp
Classification: Benign for Hypokalemic periodic paralysis, type 1; Malignant hyperthermia, susceptibility to, 5. Last evaluated: 2026-01-28. Review status: criteria provided, single submitter. Criteria: Invitae Variant Classification Sherloc (09022015). Collection method: clinical testing. Allele origin: germline.

Blueprint Genetics
Classification: Likely benign. Last evaluated: 2024-09-17. Review status: criteria provided, single submitter. Criteria: ACMG Guidelines, 2015. Collection method: clinical testing. Allele origin: germline.

Genome-Nilou Lab
Classification: Benign for Malignant hyperthermia, susceptibility to, 5. Last evaluated: 2023-04-11. Review status: criteria provided, single submitter. Criteria: ACMG Guidelines, 2015. Collection method: clinical testing. Allele origin: germline. Affected: no.

Genome-Nilou Lab
Classification: Benign for Thyrotoxic periodic paralysis, susceptibility to, 1. Last evaluated: 2023-04-11. Review status: criteria provided, single submitter. Criteria: ACMG Guidelines, 2015. Collection method: clinical testing. Allele origin: germline. Affected: no.

Genome-Nilou Lab
Classification: Benign for Congenital myopathy 18. Last evaluated: 2023-04-11. Review status: criteria provided, single submitter. Criteria: ACMG Guidelines, 2015. Collection method: clinical testing. Allele origin: germline. Affected: no.

Genome-Nilou Lab
Classification: Benign for Hypokalemic periodic paralysis, type 1. Last evaluated: 2023-04-11. Review status: criteria provided, single submitter. Criteria: ACMG Guidelines, 2015. Collection method: clinical testing. Allele origin: germline. Affected: no.

Color Diagnostics, LLC DBA Color Health
Classification: Benign for Malignant hyperthermia, susceptibility to, 5. Last evaluated: 2023-02-01. Review status: criteria provided, single submitter. Criteria: ACMG Guidelines, 2015. Collection method: clinical testing. Allele origin: germline.

Illumina Laboratory Services, Illumina
Classification: Benign for Hypokalemic periodic paralysis, type 1. Last evaluated: 2018-01-13. Review status: criteria provided, single submitter. Criteria: ICSL Variant Classification Criteria 13 December 2019. Collection method: clinical testing. Allele origin: germline.
Comment: This variant was observed in the ICSL laboratory as part of a predisposition screen in an ostensibly healthy population. It had not been previously curated by ICSL or reported in the Human Gene Mutation Database (HGMD: prior to June 1st, 2018), and was therefore a candidate for classification through an automated scoring system. Utilizing variant allele frequency, disease prevalence and penetrance estimates, and inheritance mode, an automated score was calculated to assess if this variant is too frequent to cause the disease. Based on the score and internal cut-off values, a variant classified as benign is not then subjected to further curation. The score for this variant resulted in a classification of benign for this disease.

GeneDx
Classification: Likely benign. Last evaluated: 2017-01-31. Review status: criteria provided, single submitter. Criteria: GeneDx Variant Classification (06012015). Collection method: clinical testing. Allele origin: germline. Affected: yes.
Comment: This variant is considered likely benign or benign based on one or more of the following criteria: it is a conservative change, it occurs at a poorly conserved position in the protein, it is predicted to be benign by multiple in silico algorithms, and/or has population frequency not consistent with disease.